The following is an entry in ClinVar:

ClinVar aggregate classification (germline): Likely pathogenic (1 of 4 stars; one submission).

Conditions:
FREM1-related disorder. Also called: FREM1-Related Disorders; FREM1-related condition.

gnomAD v4.1: 1 of 1,539,376 alleles (0.000065%); highest among the groups gnomAD compares: Non-Finnish European, 0.000088%; no homozygotes.

Submission:

Division of Genetic & Genomic Pathology, Hong Kong Children's Hospital
Classification: Likely pathogenic for FREM1-related disorder. Last evaluated: 2024-09-13. Review status: criteria provided, single submitter. Criteria: ACMG Guidelines, 2015. Collection method: clinical testing. Allele origin: germline. Affected: yes.
Comment: FREM1 c.1738+1G>C p.? is a splicing variant in intron 9 of the gene, affecting the canonical donor splice site. This variant is present at a low frequency in population controls (gnomAD v4.1.0: 1 in 1,134,608 alleles in non-Finnish European and absent in other populations). It is not reported in ClinVar or HGMD Professional (v2024.2). For these reasons, this variant is classified as likely pathogenic. This variant was inherited in trans with a frameshift variant.

NM_001379081.2(FREM1):c.1738+1G>C

Gene: FREM1 (FRAS1 related extracellular matrix 1; minus strand). Cytogenetic location: 9p22.3.
Variant type: single nucleotide variant.
Coding change: c.1738+1G>C on transcript NM_001379081.2 (MANE Select); the canonical splice donor site of the intron after coding-DNA position 1738, G replaced by C.
Molecular consequence: splice donor variant.
Genome position (GRCh38, 1-based): chr9:14,842,315, C>G on the plus strand (G>C on the coding strand, the complement: FREM1 is on the minus strand). VCF-style: chr9-14842315-C-G. GRCh37 (hg19) VCF-style: chr9-14842313-C-G.
Other names: c.1738+1G>C (NM_144966.7).
Identifiers: ClinVar variation 4819686 (VCV004819686.1).
Genomic context (GRCh38, chr9:14,842,315, plus strand): 5'-TAGAAGGTTCTCTATGGAAGAGTGAATTCCATTCAAATGATCTTAACTGCCCAGAACTTA[C>G]CTATCAGTCCTGGCCCTGGCTTCTTCATGATCTCCCCAGCCTGTGGAGGCTTTGTGATAT-3'